The following is an entry in ClinVar:

NM_001083961.2(WDR62):c.116C>G (p.Pro39Arg)

Gene: WDR62 (WD repeat domain 62; plus strand). Cytogenetic location: 19q13.12.
Variant type: single nucleotide variant.
Coding change: c.116C>G on transcript NM_001083961.2 (MANE Select); coding-DNA position 116, C replaced by G.
Protein change: p.Pro39Arg; replaces proline 39 with arginine.
Molecular consequence: missense variant.
Genome position (GRCh38, 1-based): chr19:36,055,087, C>G. VCF-style: chr19-36055087-C-G. GRCh37 (hg19) VCF-style: chr19-36545989-C-G.
Other names: c.116C>G, p.Pro39Arg (NM_001411145.1, NM_001411146.1, NM_001411147.1 and 1 more transcripts); short protein forms P39R.
Identifiers: ClinVar variation 2126564 (VCV002126564.4), dbSNP rs768195883, ClinGen allele CA9395135.

ClinVar aggregate classification (germline): Uncertain significance (1 of 4 stars; one submission).

Allele frequency attached by ClinVar (database versions not stated): TOPMed 0.00001; ExAC 0.00002; gnomAD 0.00001.
gnomAD v4.1: 2 of 1,604,690 alleles (0.00012%); highest among the groups gnomAD compares: Non-Finnish European, 0.00017%; no homozygotes.

Submission:

Labcorp Genetics (formerly Invitae), Labcorp
Classification: Uncertain significance. Last evaluated: 2022-04-15. Review status: criteria provided, single submitter. Criteria: Invitae Variant Classification Sherloc (09022015). Collection method: clinical testing. Allele origin: germline.
Comment: In summary, the available evidence is currently insufficient to determine the role of this variant in disease. Therefore, it has been classified as a Variant of Uncertain Significance. Algorithms developed to predict the effect of missense changes on protein structure and function are either unavailable or do not agree on the potential impact of this missense change (SIFT: "Tolerated"; PolyPhen-2: "Possibly Damaging"; Align-GVGD: "Class C0"). This variant has not been reported in the literature in individuals affected with WDR62-related conditions. This variant is present in population databases (rs768195883, gnomAD 0.002%). This sequence change replaces proline, which is neutral and non-polar, with arginine, which is basic and polar, at codon 39 of the WDR62 protein (p.Pro39Arg).